The following is an entry in ClinVar:

NM_000135.4(FANCA):c.1034_1035del (p.Glu345fs)

Gene: FANCA (FA complementation group A; minus strand). Cytogenetic location: 16q24.3.
Variant type: Microsatellite.
Coding change: c.1034_1035del on transcript NM_000135.4 (MANE Select); coding-DNA positions 1034 to 1035, 2 bases deleted (AG; older notation c.1034_1035delAG).
Protein change: p.Glu345fs; shifts the reading frame from glutamic acid 345.
Molecular consequence: frameshift variant.
Genome position (GRCh38, 1-based): chr16:89,792,519-89,792,520, CT deleted on the plus strand (AG on the coding strand, the reverse complement: FANCA is on the minus strand); deleting any 2 consecutive bases within chr16:89,792,519-89,792,526 gives the same sequence; the c. name uses the placement nearest the transcript's 3' end. VCF-style (leftmost placement, unchanged base first): chr16-89792518-ACT-A. GRCh37 (hg19) VCF-style: chr16-89858926-ACT-A.
Other names: c.1034_1035del (NM_000135.2); c.1034_1035del, p.Glu345fs (NM_001286167.3); short protein forms E345fs.
Identifiers: ClinVar variation 558653 (VCV000558653.45), dbSNP rs769580546, ClinGen allele CA8252556.

ClinVar aggregate classification (germline): Pathogenic/Likely pathogenic. Review status: criteria provided, multiple submitters, no conflicts (2 of 4 stars). 7 submissions from 7 submitters: Pathogenic (4); Likely pathogenic (1). 2 of the submissions do not count toward it. Last evaluated 2024-10-24.

Conditions:
Fanconi anemia complementation group A (FANCA). Also called: FANCA-Related Fanconi Anemia; Fanconi anemia, group A. Identifiers: Orphanet 84, MedGen C3469521, MONDO:0009215, OMIM 227650.
Fanconi anemia (FA). Also called: Fanconi's anemia. Identifiers: Orphanet 84, MedGen C0015625, MeSH D005199, MONDO:0019391.

Submissions (7):

Labcorp Genetics (formerly Invitae), Labcorp
Classification: Pathogenic for Fanconi anemia. Last evaluated: 2024-10-24. Review status: criteria provided, single submitter. Criteria: Invitae Variant Classification Sherloc (09022015). Collection method: clinical testing. Allele origin: germline.
Comment: This sequence change creates a premature translational stop signal (p.Glu345Valfs*63) in the FANCA gene. It is expected to result in an absent or disrupted protein product. Loss-of-function variants in FANCA are known to be pathogenic (PMID: 19367192). This variant is present in population databases (rs769580546, gnomAD 0.002%). This premature translational stop signal has been observed in individual(s) with Fanconi anemia (PMID: 15643609, 17924555). ClinVar contains an entry for this variant (Variation ID: 558653). For these reasons, this variant has been classified as Pathogenic.

Baylor Genetics
Classification: Pathogenic for Fanconi anemia complementation group A. Last evaluated: 2024-03-14. Review status: criteria provided, single submitter. Criteria: ACMG Guidelines, 2015. Collection method: clinical testing. Allele origin: unknown.

CeGaT Center for Human Genetics Tuebingen
Classification: Pathogenic. Last evaluated: 2023-08-01. Review status: criteria provided, single submitter. Criteria: CeGaT Center For Human Genetics Tuebingen Variant Classification Criteria Version 2. Collection method: clinical testing. Allele origin: germline. Affected: yes. Observed: 2 variant alleles.
Comment: FANCA: PVS1, PM2, PM3:Supporting

Clinical Genetics Laboratory, Skane University Hospital Lund
Classification: Pathogenic. Last evaluated: 2022-11-02. Review status: criteria provided, single submitter. Criteria: ACMG Guidelines, 2015. Collection method: clinical testing. Allele origin: germline. Affected: yes.

Fulgent Genetics
Classification: Likely pathogenic for Fanconi anemia complementation group A. Last evaluated: 2021-07-07. Review status: criteria provided, single submitter. Criteria: ACMG Guidelines, 2015. Collection method: clinical testing. Allele origin: unknown.

Leiden Open Variation Database
Classification: Pathogenic for Fanconi anemia complementation group A. Last evaluated: 2020-02-28. Review status: no assertion criteria provided. Collection method: curation. Allele origin: germline. Affected: yes. Not counted in ClinVar's aggregate classification.
Comment: Curator: Arleen D. Auerbach. Submitters to LOVD: Arleen D. Auerbach, Johan de Winter.

Counsyl
Classification: Likely pathogenic for Fanconi anemia complementation group A. Last evaluated: 2018-06-03. Review status: no assertion criteria provided. Collection method: clinical testing. Allele origin: unknown. Not counted in ClinVar's aggregate classification.

Literature cited by the submitters: PubMed 19367192 (cited by Labcorp Genetics (formerly Invitae), Labcorp); PubMed 15643609 (cited by Labcorp Genetics (formerly Invitae), Labcorp and Counsyl); PubMed 17924555 (cited by 3 submitters).